The following is an entry in ClinVar:

ClinVar aggregate classification (germline): Uncertain significance (1 of 4 stars; one submission).

Conditions:
KMT2A-related disorder. Also called: KMT2A-related condition.

gnomAD v4.1: 4 of 1,614,042 alleles (0.00025%); highest among the groups gnomAD compares: African/African-American, 0.004%; no homozygotes.

Submission:

PreventionGenetics, part of Exact Sciences
Classification: Uncertain significance for KMT2A-related condition. Last evaluated: 2025-11-06. Review status: criteria provided, single submitter. Criteria: ACMG Guidelines, 2015. Collection method: clinical testing. Allele origin: germline.
Comment: The KMT2A c.5128G>C variant is predicted to result in the amino acid substitution p.Asp1710His. To our knowledge, this variant has not been reported in the literature. This variant is reported in 0.0062% of alleles in individuals of African descent in gnomAD. At this time, the clinical significance of this variant is uncertain due to the absence of conclusive functional and genetic evidence.

NM_001197104.2(KMT2A):c.5128G>C (p.Asp1710His)

Gene: KMT2A (lysine methyltransferase 2A; plus strand). Cytogenetic location: 11q23.3.
Variant type: single nucleotide variant.
Coding change: c.5128G>C on transcript NM_001197104.2 (MANE Select); coding-DNA position 5128, G replaced by C.
Protein change: p.Asp1710His; replaces aspartic acid 1710 with histidine.
Molecular consequence: missense variant.
Genome position (GRCh38, 1-based): chr11:118,493,180, G>C. VCF-style: chr11-118493180-G-C. GRCh37 (hg19) VCF-style: chr11-118363895-G-C.
Other names: c.5218G>C, p.Asp1740His (NM_001412597.1); c.5119G>C, p.Asp1707His (NM_005933.4); short protein forms D1707H, D1710H, D1740H.
Identifiers: ClinVar variation 4977354 (VCV004977354.1).